The following is an entry in ClinVar:

ClinVar aggregate classification (germline): Uncertain significance. Review status: criteria provided, multiple submitters, no conflicts (2 of 4 stars). 2 submissions from 2 submitters: Uncertain significance (2). Last evaluated 2025-04-21.

Conditions:
Joubert syndrome 21 (JBTS21). Identifiers: MedGen C3810212, MONDO:0014288, OMIM 615636.

Allele frequency attached by ClinVar (database versions not stated): gnomAD exomes below 0.00001.
gnomAD v4.1: 1 of 1,610,560 alleles (0.000062%); highest among the groups gnomAD compares: Non-Finnish European, 0.000085%; no homozygotes.

Submissions (2):

GeneDx
Classification: Uncertain significance. Last evaluated: 2025-04-21. Review status: criteria provided, single submitter. Criteria: GeneDx Variant Classification Process June 2021. Collection method: clinical testing. Allele origin: germline. Affected: yes.
Comment: Not observed at significant frequency in large population cohorts (gnomAD); In silico analysis indicates that this missense variant does not alter protein structure/function; Has not been previously published as pathogenic or benign to our knowledge

Labcorp Genetics (formerly Invitae), Labcorp
Classification: Uncertain significance for Joubert syndrome 21. Last evaluated: 2021-09-27. Review status: criteria provided, single submitter. Criteria: Invitae Variant Classification Sherloc (09022015). Collection method: clinical testing. Allele origin: germline.
Comment: In summary, the available evidence is currently insufficient to determine the role of this variant in disease. Therefore, it has been classified as a Variant of Uncertain Significance. Algorithms developed to predict the effect of missense changes on protein structure and function output the following: SIFT: "Tolerated"; PolyPhen-2: "Benign"; Align-GVGD: "Class C0". The lysine amino acid residue is found in multiple mammalian species, which suggests that this missense change does not adversely affect protein function. This variant has not been reported in the literature in individuals affected with CSPP1-related conditions. This variant is not present in population databases (ExAC no frequency). This sequence change replaces arginine with lysine at codon 384 of the CSPP1 protein (p.Arg384Lys). The arginine residue is highly conserved and there is a small physicochemical difference between arginine and lysine.

NM_001382391.1(CSPP1):c.1124G>A (p.Arg375Lys)

Gene: CSPP1 (centrosome and spindle pole associated protein 1; plus strand). Cytogenetic location: 8q13.2.
Variant type: single nucleotide variant.
Coding change: c.1124G>A on transcript NM_001382391.1 (MANE Select); coding-DNA position 1124, G replaced by A.
Protein change: p.Arg375Lys; replaces arginine 375 with lysine.
Molecular consequence: missense variant.
Genome position (GRCh38, 1-based): chr8:67,112,002, G>A. VCF-style: chr8-67112002-G-A. GRCh37 (hg19) VCF-style: chr8-68024237-G-A.
Other names: c.1232G>A, p.Arg411Lys (NM_001364869.1); c.1052G>A, p.Arg351Lys (NM_001364870.1); c.1151G>A, p.Arg384Lys (NM_024790.7); c.269G>A, p.Arg90Lys (NM_001291339.2); c.1043G>A, p.Arg348Lys (NM_001363131.2, NM_001363133.2); c.1124G>A, p.Arg375Lys (NM_001363132.2); short protein forms R375K, R384K, R351K, R90K, R348K, R411K.
Identifiers: ClinVar variation 1379746 (VCV001379746.6), dbSNP rs748162424, ClinGen allele CA371196586.
Genomic context (GRCh38, chr8:67,112,002, plus strand): 5'-AGATTGTATTTTTCTCATACCACTATCTAGGAGGTGAAGATCGAGAACTTATTCAGAGAA[G>A]GAAAGAGAAATACAGACTAGAACTGTTGGAACAAATGGCTGAGCAACAGAGGAACAAGAG-3'
Protein context (NP_001369320.1, residues 365-385): GGEDRELIQR[Arg375Lys]KEKYRLELLE